The following is an entry in ClinVar:

NM_001378477.3(NYX):c.1367T>C (p.Leu456Pro)

Gene: NYX (nyctalopin; plus strand). Cytogenetic location: Xp11.4.
Variant type: single nucleotide variant.
Coding change: c.1367T>C on transcript NM_001378477.3 (MANE Select); coding-DNA position 1367, T replaced by C.
Protein change: p.Leu456Pro; replaces leucine 456 with proline.
Molecular consequence: missense variant.
Genome position (GRCh38, 1-based): chrX:41,474,835, T>C. VCF-style: chrX-41474835-T-C. GRCh37 (hg19) VCF-style: chrX-41334088-T-C.
Other names: c.1367T>C, p.Leu456Pro (NM_022567.3); short protein forms L461P, L456P.
Identifiers: ClinVar variation 971744 (VCV000971744.9), dbSNP rs1308236039, ClinGen allele CA412993744.

ClinVar aggregate classification (germline): Uncertain significance (1 of 4 stars; one submission).

Allele frequency attached by ClinVar (database versions not stated): gnomAD exomes 0.00001; TOPMed 0.00002.

Submission:

Labcorp Genetics (formerly Invitae), Labcorp
Classification: Uncertain significance. Last evaluated: 2019-09-27. Review status: criteria provided, single submitter. Criteria: Invitae Variant Classification Sherloc (09022015). Collection method: clinical testing. Allele origin: germline.
Comment: This sequence change replaces leucine with proline at codon 461 of the NYX protein (p.Leu461Pro). The leucine residue is moderately conserved and there is a moderate physicochemical difference between leucine and proline. This variant is not present in population databases (ExAC no frequency). This variant has not been reported in the literature in individuals with NYX-related conditions. Algorithms developed to predict the effect of missense changes on protein structure and function are either unavailable or do not agree on the potential impact of this missense change (SIFT: "Deleterious"; PolyPhen-2: "Benign"; Align-GVGD: "Class C0"). In summary, the available evidence is currently insufficient to determine the role of this variant in disease. Therefore, it has been classified as a Variant of Uncertain Significance.